The following is an entry in ClinVar:

ClinVar aggregate classification (germline): Uncertain significance. Review status: criteria provided, multiple submitters, no conflicts (2 of 4 stars). 2 submissions from 2 submitters: Uncertain significance (2). Last evaluated 2025-10-06.

Conditions:
Inborn genetic diseases. Identifiers: MedGen C0950123, MeSH D030342.

Allele frequency attached by ClinVar (database versions not stated): gnomAD exomes 0.00007; 1000 Genomes Project 30x 0.00031; gnomAD 0.00005 and 0.00006; ExAC 0.00006; TOPMed 0.00005; 1000 Genomes Project 0.00020.
gnomAD v4.1: 35 of 1,611,710 alleles (0.0022%); highest among the groups gnomAD compares: East Asian, 0.056%; no homozygotes.

Submissions (2):

Ambry Genetics
Classification: Uncertain significance for Inborn genetic diseases. Last evaluated: 2025-10-06. Review status: criteria provided, single submitter. Criteria: Ambry Variant Classification Scheme 2023. Collection method: clinical testing. Allele origin: germline.

Labcorp Genetics (formerly Invitae), Labcorp
Classification: Uncertain significance. Last evaluated: 2022-03-20. Review status: criteria provided, single submitter. Criteria: Invitae Variant Classification Sherloc (09022015). Collection method: clinical testing. Allele origin: germline.
Comment: This sequence change replaces serine, which is neutral and polar, with threonine, which is neutral and polar, at codon 104 of the GNPAT protein (p.Ser104Thr). This variant is present in population databases (rs202018338, gnomAD 0.1%). This variant has not been reported in the literature in individuals affected with GNPAT-related conditions. Algorithms developed to predict the effect of missense changes on protein structure and function (SIFT, PolyPhen-2, Align-GVGD) all suggest that this variant is likely to be tolerated. In summary, the available evidence is currently insufficient to determine the role of this variant in disease. Therefore, it has been classified as a Variant of Uncertain Significance.

NM_014236.4(GNPAT):c.311G>C (p.Ser104Thr)

Gene: GNPAT (glyceronephosphate O-acyltransferase; plus strand). Cytogenetic location: 1q42.2.
Variant type: single nucleotide variant.
Coding change: c.311G>C on transcript NM_014236.4 (MANE Select); coding-DNA position 311, G replaced by C.
Protein change: p.Ser104Thr; replaces serine 104 with threonine.
Molecular consequence: missense variant.
Genome position (GRCh38, 1-based): chr1:231,260,556, G>C. VCF-style: chr1-231260556-G-C. GRCh37 (hg19) VCF-style: chr1-231396302-G-C.
Other names: c.311G>C (NM_014236.3); c.128G>C, p.Ser43Thr (NM_001316350.2); short protein forms S104T, S43T.
Identifiers: ClinVar variation 1519092 (VCV001519092.7), dbSNP rs202018338, ClinGen allele CA1451771.